The following is an entry in ClinVar:

NM_201384.3(PLEC):c.5155C>T (p.Arg1719Trp)

Gene: PLEC (plectin; minus strand). Cytogenetic location: 8q24.3.
Variant type: single nucleotide variant.
Coding change: c.5155C>T on transcript NM_201384.3 (MANE Select); coding-DNA position 5155, C replaced by T.
Protein change: p.Arg1719Trp; replaces arginine 1719 with tryptophan.
Molecular consequence: missense variant.
Genome position (GRCh38, 1-based): chr8:143,924,774, G>A on the plus strand (C>T on the coding strand, the complement: PLEC is on the minus strand). VCF-style: chr8-143924774-G-A. GRCh37 (hg19) VCF-style: chr8-144998942-G-A.
Other names: c.5236C>T (NM_000445.3); c.5236C>T, p.Arg1746Trp (NM_000445.5); c.5113C>T, p.Arg1705Trp (NM_201378.4); c.5089C>T, p.Arg1697Trp (NM_201379.3); c.5566C>T, p.Arg1856Trp (NM_201380.4); c.5059C>T, p.Arg1687Trp (NM_201381.3); c.5155C>T, p.Arg1719Trp (NM_201382.4); c.5167C>T, p.Arg1723Trp (NM_201383.3); short protein forms R1687W, R1697W, R1705W, R1719W, R1723W, R1746W, R1856W.
Identifiers: ClinVar variation 502541 (VCV000502541.16), dbSNP rs782367966, ClinGen allele CA4926412.

ClinVar aggregate classification (germline): Uncertain significance. Review status: criteria provided, multiple submitters, no conflicts (2 of 4 stars). 4 submissions from 4 submitters: Uncertain significance (4). Last evaluated 2024-08-15.

Conditions:
Autosomal recessive limb-girdle muscular dystrophy type 2Q (LGMDR17). Also called: MUSCULAR DYSTROPHY, LIMB-GIRDLE, AUTOSOMAL RECESSIVE 17. Identifiers: Orphanet 254361, MedGen C3150989, MONDO:0013390, OMIM 613723.
Epidermolysis bullosa simplex 5C, with pyloric atresia (EBS5C). Also called: Epidermolysis bullosa simplex with pyloric atresia; PLEC-Related Epidermolysis Bullosa with Pyloric Atresia; PLEC1-Related Epidermolysis Bullosa with Pyloric Atresia. Identifiers: Orphanet 158684, MedGen C2677349, MONDO:0012807, OMIM 612138.
Epidermolysis bullosa simplex 5B, with muscular dystrophy (EBS5B). Also called: EPIDERMOLYSIS BULLOSA SIMPLEX AND LIMB-GIRDLE MUSCULAR DYSTROPHY; Epidermolysis bullosa simplex with muscular dystrophy. Identifiers: Orphanet 257, MedGen C2931072, MONDO:0009181, OMIM 226670.
Epidermolysis bullosa simplex with nail dystrophy (EBS5D). Identifiers: MedGen C4225309, MONDO:0014661, OMIM 616487.
Epidermolysis bullosa simplex, Ogna type (EBS5A). Also called: Pidermolysis bullosa simplex 5A, Ogna type; EPIDERMOLYSIS BULLOSA SIMPLEX 5A, OGNA TYPE. Identifiers: Orphanet 79401, MedGen C0432317, MONDO:0007555, OMIM 131950.
Inborn genetic diseases. Identifiers: MedGen C0950123, MeSH D030342.

Allele frequency attached by ClinVar (database versions not stated): TOPMed 0.00001; gnomAD 0.00003; gnomAD exomes 0.00005; ExAC 0.00009.
gnomAD v4.1: 54 of 1,535,132 alleles (0.0035%); highest among the groups gnomAD compares: Middle Eastern, 0.033%; no homozygotes.

Submissions (4):

Labcorp Genetics (formerly Invitae), Labcorp
Classification: Uncertain significance for Autosomal recessive limb-girdle muscular dystrophy type 2Q; Epidermolysis bullosa simplex, Ogna type; Epidermolysis bullosa simplex with nail dystrophy; Epidermolysis bullosa simplex 5C, with pyloric atresia; Epidermolysis bullosa simplex 5B, with muscular dystrophy. Last evaluated: 2024-08-15. Review status: criteria provided, single submitter. Criteria: Invitae Variant Classification Sherloc (09022015). Collection method: clinical testing. Allele origin: germline.
Comment: This sequence change replaces arginine, which is basic and polar, with tryptophan, which is neutral and slightly polar, at codon 1746 of the PLEC protein (p.Arg1746Trp). This variant is present in population databases (rs782367966, gnomAD 0.02%). This variant has not been reported in the literature in individuals affected with PLEC-related conditions. ClinVar contains an entry for this variant (Variation ID: 502541). Experimental studies and prediction algorithms are not available or were not evaluated, and the functional significance of this variant is currently unknown. In summary, the available evidence is currently insufficient to determine the role of this variant in disease. Therefore, it has been classified as a Variant of Uncertain Significance.

Ambry Genetics
Classification: Uncertain significance for Inborn genetic diseases. Last evaluated: 2021-07-09. Review status: criteria provided, single submitter. Criteria: Ambry Variant Classification Scheme 2023. Collection method: clinical testing. Allele origin: germline.

Revvity Omics, Revvity
Classification: Uncertain significance. Last evaluated: 2019-02-20. Review status: criteria provided, single submitter. Criteria: ACMG Guidelines, 2015. Collection method: clinical testing. Allele origin: germline.

Eurofins Ntd Llc (ga)
Classification: Uncertain significance. Last evaluated: 2017-06-14. Review status: criteria provided, single submitter. Criteria: EGL Classification Definitions 2015. Collection method: clinical testing. Allele origin: germline. Observed: 1 variant allele, 1 heterozygote.